The following is an entry in ClinVar:

NM_021076.4(NEFH):c.2618A>G (p.Lys873Arg)

Gene: NEFH (neurofilament heavy chain; plus strand). Cytogenetic location: 22q12.2.
Variant type: single nucleotide variant.
Coding change: c.2618A>G on transcript NM_021076.4 (MANE Select); coding-DNA position 2618, A replaced by G.
Protein change: p.Lys873Arg; replaces lysine 873 with arginine.
Molecular consequence: missense variant.
Genome position (GRCh38, 1-based): chr22:29,490,258, A>G. VCF-style: chr22-29490258-A-G. GRCh37 (hg19) VCF-style: chr22-29886247-A-G.
Other names: short protein forms K873R.
Identifiers: ClinVar variation 1494389 (VCV001494389.8), dbSNP rs1176774190, ClinGen allele CA411138229.

ClinVar aggregate classification (germline): Uncertain significance (1 of 4 stars; one submission).

Allele frequency attached by ClinVar (database versions not stated): gnomAD exomes below 0.00001 and 0.00001; TOPMed below 0.00001.
gnomAD v4.1: 2 of 1,612,110 alleles (0.00012%); highest among the groups gnomAD compares: East Asian, 0.0045%; no homozygotes.

Submission:

Labcorp Genetics (formerly Invitae), Labcorp
Classification: Uncertain significance. Last evaluated: 2021-07-14. Review status: criteria provided, single submitter. Criteria: Invitae Variant Classification Sherloc (09022015). Collection method: clinical testing. Allele origin: germline.
Comment: This sequence change replaces lysine with arginine at codon 873 of the NEFH protein (p.Lys873Arg). The lysine residue is weakly conserved and there is a small physicochemical difference between lysine and arginine. This variant is not present in population databases (ExAC no frequency). This variant has not been reported in the literature in individuals affected with NEFH-related conditions. Advanced modeling of protein sequence and biophysical properties (such as structural, functional, and spatial information, amino acid conservation, physicochemical variation, residue mobility, and thermodynamic stability) performed at Invitae indicates that this missense variant is not expected to disrupt NEFH protein function. In summary, the available evidence is currently insufficient to determine the role of this variant in disease. Therefore, it has been classified as a Variant of Uncertain Significance.